The following is an entry in ClinVar:

NM_004360.5(CDH1):c.2321G>A (p.Arg774Lys)

Gene: CDH1 (cadherin 1; plus strand). Cytogenetic location: 16q22.1.
Variant type: single nucleotide variant.
Coding change: c.2321G>A on transcript NM_004360.5 (MANE Select); coding-DNA position 2321, G replaced by A.
Protein change: p.Arg774Lys; replaces arginine 774 with lysine.
Molecular consequence: missense variant.
Genome position (GRCh38, 1-based): chr16:68,829,679, G>A. VCF-style: chr16-68829679-G-A. GRCh37 (hg19) VCF-style: chr16-68863582-G-A.
Other names: c.2138G>A, p.Arg713Lys (NM_001317184.2); c.773G>A, p.Arg258Lys (NM_001317185.2); c.356G>A, p.Arg119Lys (NM_001317186.2); short protein forms R119K, R258K, R713K, R774K.
Identifiers: ClinVar variation 1021608 (VCV001021608.7), dbSNP rs1596972434, ClinGen allele CA396470869.
Genomic context (GRCh38, chr16:68,829,679, plus strand): 5'-ACTCTTCATTGTACTTCAACCTTTTTTCTCCAAAGGACTTTGACTTGAGCCAGCTGCACA[G>A]GGGCCTGGACGCTCGGCCTGAAGTGACTCGTAACGACGTTGCACCAACCCTCATGAGTGT-3'
Protein context (NP_004351.1, residues 764-784): DQDFDLSQLH[Arg774Lys]GLDARPEVTR

ClinVar aggregate classification (germline): Uncertain significance (1 of 4 stars; one submission).

Conditions:
Hereditary diffuse gastric adenocarcinoma (HDGC). Also called: DIFFUSE GASTRIC AND LOBULAR BREAST CANCER SYNDROME. Identifiers: Orphanet 26106, MedGen C1708349, MONDO:0007648, OMIM 137215.

Submission:

Labcorp Genetics (formerly Invitae), Labcorp
Classification: Uncertain significance for Hereditary diffuse gastric adenocarcinoma. Last evaluated: 2025-11-05. Review status: criteria provided, single submitter. Criteria: Invitae Variant Classification Sherloc (09022015). Collection method: clinical testing. Allele origin: germline.
Comment: This sequence change replaces arginine, which is basic and polar, with lysine, which is basic and polar, at codon 774 of the CDH1 protein (p.Arg774Lys). This variant is not present in population databases (gnomAD no frequency). This variant has not been reported in the literature in individuals affected with CDH1-related conditions. ClinVar contains an entry for this variant (Variation ID: 1021608). An algorithm developed to predict the effect of missense changes on protein structure and function (PolyPhen-2) suggests that this variant is likely to be disruptive. In summary, the available evidence is currently insufficient to determine the role of this variant in disease. Therefore, it has been classified as a Variant of Uncertain Significance.